The following is an entry in ClinVar:

ClinVar aggregate classification (germline): Pathogenic (1 of 4 stars; one submission).

Conditions:
Nemaline myopathy 2 (NEM2). Also called: Nemaline myopathy 2, autosomal recessive. Identifiers: MedGen C1850569, MONDO:0009725, OMIM 256030.

Submission:

Labcorp Genetics (formerly Invitae), Labcorp
Classification: Pathogenic for Nemaline myopathy 2. Last evaluated: 2019-10-20. Review status: criteria provided, single submitter. Criteria: Invitae Variant Classification Sherloc (09022015). Collection method: clinical testing. Allele origin: germline.
Comment: This variant is not present in population databases (ExAC no frequency). This variant has not been reported in the literature in individuals with NEB-related conditions. Algorithms developed to predict the effect of sequence changes on RNA splicing suggest that this variant may create or strengthen a splice site, but this prediction has not been confirmed by published transcriptional studies. Loss-of-function variants in NEB are known to be pathogenic (PMID: 25205138). For these reasons, this variant has been classified as Pathogenic. This sequence change creates a premature translational stop signal (p.Leu246Serfs*17) in the NEB gene. It is expected to result in an absent or disrupted protein product.

Literature cited by the submitters: PubMed 25205138.

NM_001164508.2(NEB):c.736del (p.Leu246fs)

Gene: NEB (nebulin; minus strand). Cytogenetic location: 2q23.3.
Variant type: Deletion.
Coding change: c.736del on transcript NM_001164508.2 (MANE Select); coding-DNA position 736, one base deleted (C; older notation c.736delC).
Protein change: p.Leu246fs; shifts the reading frame from leucine 246.
Molecular consequence: frameshift variant.
Genome position (GRCh38, 1-based): chr2:151,717,502, G deleted on the plus strand (C on the coding strand, the reverse complement: NEB is on the minus strand). VCF-style (leftmost placement, unchanged base first): chr2-151717501-AG-A. GRCh37 (hg19) VCF-style: chr2-152574015-AG-A.
Other names: c.736del, p.Leu246fs (NM_001164507.2, NM_001271208.2, NM_004543.5); short protein forms L246fs.
Identifiers: ClinVar variation 971176 (VCV000971176.7), dbSNP rs2099762296, ClinGen allele CA1139657267.
Genomic context (GRCh38, chr2:151,717,501, plus strand): 5'-TTGGCAAATTCTATATCTGGAGGATCAGCCAGAGGCGTGAATTGAGCTTGCTGTTCAGCG[AG>A]ACCTTTTTTGTAGGCAACCTGATGAAATAAAAGACAGGGATGTATTTTAAAAACGATTAT-3'